The following is an entry in ClinVar:

NM_016373.4(WWOX):c.1126T>C (p.Phe376Leu)

Genes: MAF (MAF bZIP transcription factor; minus strand), WWOX (WW domain containing oxidoreductase; plus strand). Cytogenetic location: 16q23.2.
Variant type: single nucleotide variant.
Coding change: c.1126T>C on transcript NM_016373.4 (MANE Select); coding-DNA position 1126, T replaced by C.
Protein change: p.Phe376Leu; replaces phenylalanine 376 with leucine.
Molecular consequence: missense variant.
Genome position (GRCh38, 1-based): chr16:79,211,677, T>C. VCF-style: chr16-79211677-T-C. GRCh37 (hg19) VCF-style: chr16-79245574-T-C.
Other names: c.787T>C, p.Phe263Leu (NM_001291997.2); short protein forms F263L, F376L.
Identifiers: ClinVar variation 963804 (VCV000963804.8), dbSNP rs1474278988, ClinGen allele CA396537100.

ClinVar aggregate classification (germline): Uncertain significance (1 of 4 stars; one submission).

Conditions:
Developmental and epileptic encephalopathy, 1 (DEE1). Also called: INFANTILE SPASM SYNDROME, X-LINKED 1; Epileptic encephalopathy, early infantile, 1; Tonic spasms with clustering, arrest of psychomotor development and hypsarrhythmia on EEG; X-Linked Infantile Spasm Syndrome; X-linked infantile spasms; West's syndrome. Identifiers: MedGen C3463992, MONDO:0010632, OMIM 308350. Disease mechanism: loss of function.
Autosomal recessive spinocerebellar ataxia 12. Also called: SPINOCEREBELLAR ATAXIA WITH MENTAL RETARDATION AND EPILEPSY. Identifiers: Orphanet 284282, MedGen C3280452, MONDO:0013687, OMIM 614322.

Allele frequency attached by ClinVar (database versions not stated): TOPMed 0.00001; gnomAD 0.00002.
gnomAD v4.1: 3 of 1,614,108 alleles (0.00019%); highest among the groups gnomAD compares: African/African-American, 0.004%; no homozygotes.

Submission:

Labcorp Genetics (formerly Invitae), Labcorp
Classification: Uncertain significance for Developmental and epileptic encephalopathy, 1; Autosomal recessive spinocerebellar ataxia 12. Last evaluated: 2025-05-19. Review status: criteria provided, single submitter. Criteria: Invitae Variant Classification Sherloc (09022015). Collection method: clinical testing. Allele origin: germline.
Comment: This sequence change replaces phenylalanine, which is neutral and non-polar, with leucine, which is neutral and non-polar, at codon 376 of the WWOX protein (p.Phe376Leu). This variant is not present in population databases (gnomAD no frequency). This variant has not been reported in the literature in individuals affected with WWOX-related conditions. ClinVar contains an entry for this variant (Variation ID: 963804). Invitae Evidence Modeling of protein sequence and biophysical properties (such as structural, functional, and spatial information, amino acid conservation, physicochemical variation, residue mobility, and thermodynamic stability) indicates that this missense variant is not expected to disrupt WWOX protein function with a negative predictive value of 80%. In summary, the available evidence is currently insufficient to determine the role of this variant in disease. Therefore, it has been classified as a Variant of Uncertain Significance.